The following is an entry in ClinVar:

ClinVar aggregate classification (germline): Uncertain significance (1 of 4 stars; one submission).

Conditions:
RASopathy. Also called: Noonan spectrum disorder; rasopathies. Identifiers: Orphanet 536391, MedGen C5555857, MONDO:0021060.

Submission:

Labcorp Genetics (formerly Invitae), Labcorp
Classification: Uncertain significance for RASopathy. Last evaluated: 2025-04-03. Review status: criteria provided, single submitter. Criteria: Invitae Variant Classification Sherloc (09022015). Collection method: clinical testing. Allele origin: germline.
Comment: This sequence change replaces glutamine, which is neutral and polar, with lysine, which is basic and polar, at codon 1296 of the SOS1 protein (p.Gln1296Lys). This variant is not present in population databases (gnomAD no frequency). This variant has not been reported in the literature in individuals affected with SOS1-related conditions. Invitae Evidence Modeling of protein sequence and biophysical properties (such as structural, functional, and spatial information, amino acid conservation, physicochemical variation, residue mobility, and thermodynamic stability) indicates that this missense variant is not expected to disrupt SOS1 protein function with a negative predictive value of 95%. In summary, the available evidence is currently insufficient to determine the role of this variant in disease. Therefore, it has been classified as a Variant of Uncertain Significance.

NM_005633.4(SOS1):c.3886C>A (p.Gln1296Lys)

Gene: SOS1 (SOS Ras/Rac guanine nucleotide exchange factor 1; minus strand). Cytogenetic location: 2p22.1.
Variant type: single nucleotide variant.
Coding change: c.3886C>A on transcript NM_005633.4 (MANE Select); coding-DNA position 3886, C replaced by A.
Protein change: p.Gln1296Lys; replaces glutamine 1296 with lysine.
Molecular consequence: missense variant.
Genome position (GRCh38, 1-based): chr2:38,985,940, G>T on the plus strand (C>A on the coding strand, the complement: SOS1 is on the minus strand). VCF-style: chr2-38985940-G-T. GRCh37 (hg19) VCF-style: chr2-39213081-G-T.
Other names: c.3865C>A, p.Gln1289Lys (NM_001382394.1); c.3841C>A, p.Gln1281Lys (NM_001382395.1); short protein forms Q1289K, Q1281K, Q1296K.
Identifiers: ClinVar variation 4747089 (VCV004747089.1).
Genomic context (GRCh38, chr2:38,985,940, plus strand): 5'-GTGTGTGCTCCCTTTTGTAAGTTTTTGGAGGGAGTTTAGGGATATGTTGAGAAGTGCTTT[G>T]TCGTGGAGGAACAGGCGGCCCAGCAATGGAATGAAGGTCCACTTCTTGTGTCAATGGTGG-3'
Protein context (NP_005624.2, residues 1286-1306): SIAGPPVPPR[Gln1296Lys]STSQHIPKLP